The following is an entry in ClinVar:

ClinVar aggregate classification (germline): Uncertain significance. Review status: criteria provided, single submitter (1 of 4 stars). 2 submissions from 2 submitters: Uncertain significance (1). 1 of the submissions does not count toward it. Last evaluated 2024-10-08.

Conditions:
Inborn genetic diseases. Identifiers: MedGen C0950123, MeSH D030342.
VPS13B-related disorder. Also called: VPS13B-related condition.

gnomAD v4.1: 7 of 1,614,078 alleles (0.00043%); highest among the groups gnomAD compares: East Asian, 0.0045%; no homozygotes.

Submissions (2):

Ambry Genetics
Classification: Uncertain significance for Inborn genetic diseases. Last evaluated: 2024-10-08. Review status: criteria provided, single submitter. Criteria: Ambry Variant Classification Scheme 2023. Collection method: clinical testing. Allele origin: germline.

PreventionGenetics, part of Exact Sciences
Classification: Uncertain significance for VPS13B-related condition. Last evaluated: 2024-03-27. Review status: no assertion criteria provided. Collection method: clinical testing. Allele origin: germline. Not counted in ClinVar's aggregate classification.
Comment: The VPS13B c.7145A>G variant is predicted to result in the amino acid substitution p.Gln2382Arg. To our knowledge, this variant has not been reported in the literature or in a large population database, indicating this variant is rare. At this time, the clinical significance of this variant is uncertain due to the absence of conclusive functional and genetic evidence.

NM_152564.5(VPS13B):c.7145A>G (p.Gln2382Arg)

Gene: VPS13B (vacuolar protein sorting 13 homolog B; plus strand). Cytogenetic location: 8q22.2.
Variant type: single nucleotide variant.
Coding change: c.7145A>G on transcript NM_152564.5 (MANE Select); coding-DNA position 7145, A replaced by G.
Protein change: p.Gln2382Arg; replaces glutamine 2382 with arginine.
Molecular consequence: missense variant.
Genome position (GRCh38, 1-based): chr8:99,766,868, A>G. VCF-style: chr8-99766868-A-G. GRCh37 (hg19) VCF-style: chr8-100779096-A-G.
Other names: c.7220A>G, p.Gln2407Arg (NM_017890.5); c.7220A>G (NM_017890.3); short protein forms Q2382R, Q2407R.
Identifiers: ClinVar variation 3344606 (VCV003344606.2).